The following is an entry in ClinVar:

NM_014423.4(AFF4):c.1976T>C (p.Leu659Pro)

Gene: AFF4 (ALF transcription elongation factor 4; minus strand). Cytogenetic location: 5q31.1.
Variant type: single nucleotide variant.
Coding change: c.1976T>C on transcript NM_014423.4 (MANE Select); coding-DNA position 1976, T replaced by C.
Protein change: p.Leu659Pro; replaces leucine 659 with proline.
Molecular consequence: missense variant.
Genome position (GRCh38, 1-based): chr5:132,896,654, A>G on the plus strand (T>C on the coding strand, the complement: AFF4 is on the minus strand). VCF-style: chr5-132896654-A-G. GRCh37 (hg19) VCF-style: chr5-132232346-A-G.
Other names: short protein forms L659P.
Identifiers: ClinVar variation 3608776 (VCV003608776.2).

ClinVar aggregate classification (germline): Uncertain significance (1 of 4 stars; one submission).

Conditions:
Cognitive impairment - coarse facies - heart defects - obesity - pulmonary involvement - short stature - skeletal dysplasia syndrome. Also called: AFF4-Related CHOPS Syndrome; COGNITIVE IMPAIRMENT, COARSE FACIES, HEART DEFECTS, OBESITY, PULMONARY INVOLVEMENT, SHORT STATURE, AND SKELETAL DYSPLASIA; Chops syndrome. Identifiers: Orphanet 444077, MedGen C4085597, MONDO:0014609, OMIM 616368.

gnomAD v4.1: 1 of 1,613,970 alleles (0.000062%); highest among the groups gnomAD compares: Non-Finnish European, 0.000085%; no homozygotes.

Submission:

Labcorp Genetics (formerly Invitae), Labcorp
Classification: Uncertain significance for Cognitive impairment - coarse facies - heart defects - obesity - pulmonary involvement - short stature - skeletal dysplasia syndrome. Last evaluated: 2024-05-01. Review status: criteria provided, single submitter. Criteria: Invitae Variant Classification Sherloc (09022015). Collection method: clinical testing. Allele origin: germline.
Comment: This sequence change replaces leucine, which is neutral and non-polar, with proline, which is neutral and non-polar, at codon 659 of the AFF4 protein (p.Leu659Pro). This variant is not present in population databases (gnomAD no frequency). This variant has not been reported in the literature in individuals affected with AFF4-related conditions. Advanced modeling of protein sequence and biophysical properties (such as structural, functional, and spatial information, amino acid conservation, physicochemical variation, residue mobility, and thermodynamic stability) performed at Invitae indicates that this missense variant is not expected to disrupt AFF4 protein function with a negative predictive value of 80%. In summary, the available evidence is currently insufficient to determine the role of this variant in disease. Therefore, it has been classified as a Variant of Uncertain Significance.